The following is an entry in ClinVar:

NM_013275.6(ANKRD11):c.6977C>A (p.Ala2326Asp)

Gene: ANKRD11 (ankyrin repeat domain 11; minus strand). Cytogenetic location: 16q24.3.
Variant type: single nucleotide variant.
Coding change: c.6977C>A on transcript NM_013275.6 (MANE Select); coding-DNA position 6977, C replaced by A.
Protein change: p.Ala2326Asp; replaces alanine 2326 with aspartic acid.
Molecular consequence: missense variant.
Genome position (GRCh38, 1-based): chr16:89,279,565, G>T on the plus strand (C>A on the coding strand, the complement: ANKRD11 is on the minus strand). VCF-style: chr16-89279565-G-T. GRCh37 (hg19) VCF-style: chr16-89345973-G-T.
Other names: c.6977C>A, p.Ala2326Asp (NM_001256182.2, NM_001256183.2); short protein forms A2326D.
Identifiers: ClinVar variation 1199851 (VCV001199851.7), dbSNP rs576742682, ClinGen allele CA286509611.
Genomic context (GRCh38, chr16:89,279,565, plus strand): 5'-TTCGCGAGCATCTGCGCCCGGTTCCTGGTCATGCGCTGAGGGATCTCCTCCACTCGGGGG[G>T]CCTTCGGGGCTTCGGCCGTGGGTTTTGGTTCTGCGGCTTCCGGCTGGATGCCGCCAGGAG-3'
Protein context (NP_037407.4, residues 2316-2336): EPKPTAEAPK[Ala2326Asp]PRVEEIPQRM

ClinVar aggregate classification (germline): Uncertain significance. Review status: criteria provided, multiple submitters, no conflicts (2 of 4 stars). 3 submissions from 3 submitters: Uncertain significance (3). Last evaluated 2023-02-08.

Conditions:
KBG syndrome (KBGS). Also called: ANKRD11-Related KBG Syndrome. Identifiers: Orphanet 2332, MedGen C0220687, MONDO:0007846, OMIM 148050.

Submissions (3):

Labcorp Genetics (formerly Invitae), Labcorp
Classification: Uncertain significance for KBG syndrome. Last evaluated: 2023-02-08. Review status: criteria provided, single submitter. Criteria: Invitae Variant Classification Sherloc (09022015). Collection method: clinical testing. Allele origin: germline.
Comment: In summary, the available evidence is currently insufficient to determine the role of this variant in disease. Therefore, it has been classified as a Variant of Uncertain Significance. Advanced modeling of protein sequence and biophysical properties (such as structural, functional, and spatial information, amino acid conservation, physicochemical variation, residue mobility, and thermodynamic stability) performed at Invitae indicates that this missense variant is not expected to disrupt ANKRD11 protein function. ClinVar contains an entry for this variant (Variation ID: 1199851). This variant has not been reported in the literature in individuals affected with ANKRD11-related conditions. This variant is present in population databases (no rsID available, gnomAD 0.003%). This sequence change replaces alanine, which is neutral and non-polar, with aspartic acid, which is acidic and polar, at codon 2326 of the ANKRD11 protein (p.Ala2326Asp).

GeneDx
Classification: Uncertain significance. Last evaluated: 2019-10-07. Review status: criteria provided, single submitter. Criteria: GeneDx Variant Classification Process June 2021. Collection method: clinical testing. Allele origin: germline. Affected: yes.
Comment: Not observed at a significant frequency in large population cohorts (Lek et al., 2016); In silico analysis, which includes protein predictors and evolutionary conservation, supports that this variant does not alter protein structure/function; Has not been previously published as pathogenic or benign to our knowledge

Breakthrough Genomics
Classification: Uncertain significance. Review status: criteria provided, single submitter. Criteria: ACMG Guidelines, 2015. Collection method: not provided. Allele origin: germline. Inheritance: Autosomal dominant inheritance. Affected: yes.